The following is an entry in ClinVar:

NM_001365536.1(SCN9A):c.4399-1C>T

Genes: SCN1A-AS1 (SCN1A and SCN9A antisense RNA 1; plus strand), SCN9A (sodium voltage-gated channel alpha subunit 9; minus strand). Cytogenetic location: 2q24.3.
Variant type: single nucleotide variant.
Coding change: c.4399-1C>T on transcript NM_001365536.1 (MANE Select); the canonical splice acceptor site of the intron before coding-DNA position 4399, C replaced by T.
Molecular consequence: splice acceptor variant.
Genome position (GRCh38, 1-based): chr2:166,204,465, G>A on the plus strand (C>T on the coding strand, the complement: SCN9A is on the minus strand). VCF-style: chr2-166204465-G-A. GRCh37 (hg19) VCF-style: chr2-167060975-G-A.
Other names: c.4366-1C>T (NM_002977.4).
Identifiers: ClinVar variation 640078 (VCV000640078.16), dbSNP rs1283839545, ClinGen allele CA349058489.

ClinVar aggregate classification (germline): Likely pathogenic. Review status: criteria provided, multiple submitters, no conflicts (2 of 4 stars). 3 submissions from 3 submitters: Likely pathogenic (3). Last evaluated 2026-06-25.

Conditions:
Channelopathy-associated congenital insensitivity to pain, autosomal recessive. Also called: Insensitivity to pain, channelopathy-associated; ASYMBOLIA FOR PAIN; CONGENITAL ANALGESIA, AUTOSOMAL RECESSIVE. Identifiers: Orphanet 88642, Orphanet 970, MedGen C1855739, MONDO:0009459, OMIM 243000.
Generalized epilepsy with febrile seizures plus, type 7 (GEFSP7). Also called: GEFS+, TYPE 7. Identifiers: Orphanet 36387, MedGen C2751778, MONDO:0013470, OMIM 613863.
Neuropathy, hereditary sensory and autonomic, type 2A (HSAN2A). Also called: HSAN IIA; MORVAN DISEASE; NEUROPATHY, CONGENITAL SENSORY; NEUROPATHY, HEREDITARY SENSORY RADICULAR, AUTOSOMAL RECESSIVE; NEUROPATHY, HEREDITARY SENSORY, TYPE IIA; NEUROPATHY, PROGRESSIVE SENSORY, OF CHILDREN. Identifiers: Orphanet 970, MedGen C2752089, MONDO:0024309, OMIM 201300.

Allele frequency attached by ClinVar (database versions not stated): gnomAD exomes below 0.00001.

Submissions (3):

Women's Health and Genetics/Laboratory Corporation of America, LabCorp
Classification: Likely pathogenic for Channelopathy-associated congenital insensitivity to pain, autosomal recessive. Last evaluated: 2026-06-25. Review status: criteria provided, single submitter. Criteria: LabCorp Variant Classification Summary - May 2015. Collection method: clinical testing. Allele origin: germline.
Comment: Variant summary: SCN9A c.4366-1C>T is located in a non-canonical splice-site and is predicted to affect mRNA splicing resulting in a significantly altered protein due to either exon skipping, shortening, or inclusion of intronic material. Variants that disrupt the consensus splice site are a relatively common cause of aberrant splicing and loss of SCN9A function. Consensus agreement among computation tools predict no significant impact on normal splicing. However, these predictions have yet to be confirmed by functional studies. The frequency data for this variant in gnomAD is considered unreliable, as metrics indicate poor data quality at this position. To our knowledge, no occurrence of c.4366-1C>T in individuals affected with SCN9A-related conditions and no experimental evidence demonstrating its impact on protein function have been reported. ClinVar contains an entry for this variant (Variation ID: 640078). To our knowledge, this variant has not been reported in individuals with autosomal dominant SCN9A-related conditions. Based on the evidence outlined above, the variant was classified as likely pathogenic for Channelopathy-Associated Congenital Insensitivity To Pain, Autosomal Recessive.

CeGaT Center for Human Genetics Tuebingen
Classification: Likely pathogenic. Last evaluated: 2025-06-01. Review status: criteria provided, single submitter. Criteria: CeGaT Center For Human Genetics Tuebingen Variant Classification Criteria Version 2. Collection method: clinical testing. Allele origin: germline. Affected: yes. Observed: 1 variant allele.
Comment: SCN9A: PVS1:Strong, PM2

Labcorp Genetics (formerly Invitae), Labcorp
Classification: Likely pathogenic for Neuropathy, hereditary sensory and autonomic, type 2A; Generalized epilepsy with febrile seizures plus, type 7. Last evaluated: 2018-08-20. Review status: criteria provided, single submitter. Criteria: Invitae Variant Classification Sherloc (09022015). Collection method: clinical testing. Allele origin: germline.
Comment: In summary, the currently available evidence indicates that the variant is pathogenic, but additional data are needed to prove that conclusively. Therefore, this variant has been classified as Likely Pathogenic. Donor and acceptor splice site variants typically lead to a loss of protein function (PMID: 16199547), and loss-of-function variants in SCN9A are known to be pathogenic (PMID: 17470132, 19304393). This variant has not been reported in the literature in individuals with SCN9A-related disease. This variant is not present in population databases (ExAC no frequency). This sequence change affects an acceptor splice site in intron 24 of the SCN9A gene. It is expected to disrupt RNA splicing and likely results in an absent or disrupted protein product.

Literature cited by the submitters: PubMed 16199547 (cited by Labcorp Genetics (formerly Invitae), Labcorp); PubMed 17470132 (cited by Labcorp Genetics (formerly Invitae), Labcorp); PubMed 19304393 (cited by Labcorp Genetics (formerly Invitae), Labcorp).